The following is an entry in ClinVar:

NM_004960.4(FUS):c.1067-6C>T

Gene: FUS (FUS DNA/RNA binding protein; plus strand). Cytogenetic location: 16p11.2.
Variant type: single nucleotide variant.
Coding change: c.1067-6C>T on transcript NM_004960.4 (MANE Select); 6 bases into the intron before coding-DNA position 1067, C replaced by T.
Molecular consequence: intron variant.
Genome position (GRCh38, 1-based): chr16:31,190,034, C>T. VCF-style: chr16-31190034-C-T. GRCh37 (hg19) VCF-style: chr16-31201355-C-T.
Other names: c.1055-6C>T (NM_001170937.1); c.1064-6C>T (NM_001170634.1).
Identifiers: ClinVar variation 705002 (VCV000705002.38), dbSNP rs77813265, ClinGen allele CA8023931.

ClinVar aggregate classification (germline): Likely benign. Review status: criteria provided, multiple submitters, no conflicts (2 of 4 stars). 6 submissions from 6 submitters: Likely benign (3). 3 of the submissions do not count toward it. Last evaluated 2026-01-20.

Conditions:
FUS-related disorder. Also called: FUS-related condition.
Inborn genetic diseases. Identifiers: MedGen C0950123, MeSH D030342.
Tremor, hereditary essential, 4 (ETM4). Identifiers: MedGen C3539195, MONDO:0013888, OMIM 614782.
Amyotrophic lateral sclerosis type 6. Also called: FUS-Related Amyotrophic Laterial Sclerosis; AMYOTROPHIC LATERAL SCLEROSIS 6 WITHOUT FRONTOTEMPORAL DEMENTIA; Amyotrophic lateral sclerosis 6, with or without frontotemporal dementia. Identifiers: Orphanet 275872, Orphanet 803, MedGen C2931786, MONDO:0011951, OMIM 608030.

Allele frequency attached by ClinVar (database versions not stated): ESP Exome Variant Server 0.00008; TOPMed 0.00012; gnomAD 0.00014; gnomAD exomes 0.00015; 1000 Genomes Project 30x 0.00016; 1000 Genomes Project 0.00020.
gnomAD v4.1: 232 of 1,608,232 alleles (0.014%); highest among the groups gnomAD compares: Non-Finnish European, 0.019%; no homozygotes.

Submissions (6):

Labcorp Genetics (formerly Invitae), Labcorp
Classification: Likely benign for Tremor, hereditary essential, 4; Amyotrophic lateral sclerosis type 6. Last evaluated: 2026-01-20. Review status: criteria provided, single submitter. Criteria: Invitae Variant Classification Sherloc (09022015). Collection method: clinical testing. Allele origin: germline.

CeGaT Center for Human Genetics Tuebingen
Classification: Likely benign. Last evaluated: 2023-04-01. Review status: criteria provided, single submitter. Criteria: CeGaT Center For Human Genetics Tuebingen Variant Classification Criteria Version 2. Collection method: clinical testing. Allele origin: germline. Affected: yes. Observed: 1 variant allele.
Comment: FUS: BP4

Ambry Genetics
Classification: Likely benign for Inborn genetic diseases. Last evaluated: 2019-12-03. Review status: criteria provided, single submitter. Criteria: Ambry Variant Classification Scheme 2023. Collection method: clinical testing. Allele origin: germline.

PreventionGenetics, part of Exact Sciences
Classification: Likely benign for FUS-related condition. Last evaluated: 2022-01-31. Review status: no assertion criteria provided. Collection method: clinical testing. Allele origin: germline. Not counted in ClinVar's aggregate classification.
Comment: This variant is classified as likely benign based on ACMG/AMP sequence variant interpretation guidelines (Richards et al. 2015 PMID: 25741868, with internal and published modifications).

Clinical Genetics DNA and cytogenetics Diagnostics Lab, Erasmus MC, Erasmus Medical Center
Classification: Likely benign. Review status: no assertion criteria provided. Collection method: clinical testing. Allele origin: germline. Affected: yes. Study: VKGL Data-share Consensus. Not counted in ClinVar's aggregate classification.

Genome Diagnostics Laboratory, Amsterdam University Medical Center
Classification: Likely benign. Review status: no assertion criteria provided. Collection method: clinical testing. Allele origin: germline. Affected: yes. Study: VKGL Data-share Consensus. Not counted in ClinVar's aggregate classification.